The following is an entry in ClinVar:

NM_130466.4(UBE3B):c.1742-2A>G

Gene: UBE3B (ubiquitin protein ligase E3B; plus strand). Cytogenetic location: 12q24.11.
Variant type: single nucleotide variant.
Coding change: c.1742-2A>G on transcript NM_130466.4 (MANE Select); the canonical splice acceptor site of the intron before coding-DNA position 1742, A replaced by G.
Molecular consequence: splice acceptor variant.
Genome position (GRCh38, 1-based): chr12:109,510,342, A>G. VCF-style: chr12-109510342-A-G. GRCh37 (hg19) VCF-style: chr12-109948147-A-G.
Other names: c.1742-2A>G (NM_183415.3).
Identifiers: ClinVar variation 1329628 (VCV001329628.6), dbSNP rs1037348200, ClinGen allele CA243438513.

ClinVar aggregate classification (germline): Pathogenic/Likely pathogenic. Review status: criteria provided, multiple submitters, no conflicts (2 of 4 stars). 3 submissions from 3 submitters: Pathogenic (2); Likely pathogenic (1). Last evaluated 2026-08-19.

Conditions:
Oculocerebrofacial syndrome, Kaufman type. Also called: Blepharophimosis-ptosis-intellectual disability syndrome. Identifiers: Orphanet 2707, MedGen C1855663, MONDO:0009485, OMIM 244450.

Submissions (3):

Institute of Human Genetics, University of Leipzig Medical Center
Classification: Pathogenic for Oculocerebrofacial syndrome, Kaufman type. Last evaluated: 2026-08-19. Review status: criteria provided, single submitter. Criteria: ACMG Guidelines, 2015. Collection method: clinical testing. Allele origin: unknown. Inheritance: Autosomal recessive inheritance. Affected: yes.
Comment: Criteria applied: PVS1,PS4_MOD,PM2

Labcorp Genetics (formerly Invitae), Labcorp
Classification: Likely pathogenic. Last evaluated: 2023-12-21. Review status: criteria provided, single submitter. Criteria: Invitae Variant Classification Sherloc (09022015). Collection method: clinical testing. Allele origin: germline.
Comment: This sequence change affects an acceptor splice site in intron 16 of the UBE3B gene. It is expected to disrupt RNA splicing. Variants that disrupt the donor or acceptor splice site typically lead to a loss of protein function (PMID: 16199547), and loss-of-function variants in UBE3B are known to be pathogenic (PMID: 23687348, 24615390). This variant is not present in population databases (gnomAD no frequency). Disruption of this splice site has been observed in individual(s) with clinical features of Kaufman oculocerebrofacial syndrome (PMID: 31847883). ClinVar contains an entry for this variant (Variation ID: 1329628). Algorithms developed to predict the effect of sequence changes on RNA splicing suggest that this variant may disrupt the consensus splice site. In summary, the currently available evidence indicates that the variant is pathogenic, but additional data are needed to prove that conclusively. Therefore, this variant has been classified as Likely Pathogenic.

GeneDx
Classification: Pathogenic. Last evaluated: 2021-10-08. Review status: criteria provided, single submitter. Criteria: GeneDx Variant Classification Process June 2021. Collection method: clinical testing. Allele origin: germline. Affected: yes.
Comment: Canonical splice site variant predicted to result in a null allele in a gene for which loss-of-function is a known mechanism of disease; Not observed at significant frequency in large population cohorts (Lek et al., 2016); Has not been previously published as pathogenic or benign to our knowledge; This variant is associated with the following publications: (PMID: 27535533)

Literature cited by the submitters: PubMed 16199547 (cited by Labcorp Genetics (formerly Invitae), Labcorp); PubMed 23687348 (cited by Labcorp Genetics (formerly Invitae), Labcorp); PubMed 24615390 (cited by Labcorp Genetics (formerly Invitae), Labcorp); PubMed 31847883 (cited by Labcorp Genetics (formerly Invitae), Labcorp).